The following is an entry in ClinVar:

NM_015570.4(AUTS2):c.3559C>T (p.Pro1187Ser)

Gene: AUTS2 (activator of transcription and developmental regulator AUTS2; plus strand). Cytogenetic location: 7q11.22.
Variant type: single nucleotide variant.
Coding change: c.3559C>T on transcript NM_015570.4 (MANE Select); coding-DNA position 3559, C replaced by T.
Protein change: p.Pro1187Ser; replaces proline 1187 with serine.
Molecular consequence: missense variant.
Genome position (GRCh38, 1-based): chr7:70,790,775, C>T. VCF-style: chr7-70790775-C-T. GRCh37 (hg19) VCF-style: chr7-70255761-C-T.
Other names: c.3487C>T, p.Pro1163Ser (NM_001127231.3); short protein forms P1163S, P1187S.
Identifiers: ClinVar variation 3776613 (VCV003776613.1).

ClinVar aggregate classification (germline): Uncertain significance (1 of 4 stars; one submission).

Submission:

GeneDx
Classification: Uncertain significance. Last evaluated: 2024-10-07. Review status: criteria provided, single submitter. Criteria: GeneDx Variant Classification Process June 2021. Collection method: clinical testing. Allele origin: germline. Affected: yes.
Comment: Not observed at significant frequency in large population cohorts (gnomAD); In silico analysis supports that this missense variant has a deleterious effect on protein structure/function; Has not been previously published as pathogenic or benign to our knowledge